The following is an entry in ClinVar:

NM_001042492.3(NF1):c.1921A>T (p.Ser641Cys)

Gene: NF1 (neurofibromin 1; plus strand). Cytogenetic location: 17q11.2.
Variant type: single nucleotide variant.
Coding change: c.1921A>T on transcript NM_001042492.3 (MANE Select); coding-DNA position 1921, A replaced by T.
Protein change: p.Ser641Cys; replaces serine 641 with cysteine.
Molecular consequence: missense variant.
Genome position (GRCh38, 1-based): chr17:31,225,170, A>T. VCF-style: chr17-31225170-A-T. GRCh37 (hg19) VCF-style: chr17-29552188-A-T.
Other names: c.1921A>T, p.Ser641Cys (NM_000267.4); short protein forms S641C.
Identifiers: ClinVar variation 583284 (VCV000583284.5), dbSNP rs769154907, ClinGen allele CA399005322.

ClinVar aggregate classification (germline): Uncertain significance (1 of 4 stars; one submission).

Conditions:
Neurofibromatosis, type 1 (NF1). Also called: Peripheral type neurofibromatosis; VON RECKLINGHAUSEN DISEASE; NEUROFIBROMATOSIS, TYPE I, SOMATIC; Neurofibromatosis, type I. Identifiers: Orphanet 636, MedGen C0027831, MONDO:0018975, OMIM 162200. Disease mechanism: loss of function.

Submission:

Labcorp Genetics (formerly Invitae), Labcorp
Classification: Uncertain significance for Neurofibromatosis, type 1. Last evaluated: 2024-01-19. Review status: criteria provided, single submitter. Criteria: Invitae Variant Classification Sherloc (09022015). Collection method: clinical testing. Allele origin: germline.
Comment: This sequence change replaces serine, which is neutral and polar, with cysteine, which is neutral and slightly polar, at codon 641 of the NF1 protein (p.Ser641Cys). This variant is not present in population databases (gnomAD no frequency). This variant has not been reported in the literature in individuals affected with NF1-related conditions. ClinVar contains an entry for this variant (Variation ID: 583284). Advanced modeling of protein sequence and biophysical properties (such as structural, functional, and spatial information, amino acid conservation, physicochemical variation, residue mobility, and thermodynamic stability) performed at Invitae indicates that this missense variant is not expected to disrupt NF1 protein function with a negative predictive value of 95%. In summary, the available evidence is currently insufficient to determine the role of this variant in disease. Therefore, it has been classified as a Variant of Uncertain Significance.